The following is an entry in ClinVar:

NM_032043.3(BRIP1):c.3304G>C (p.Asp1102His)

Gene: BRIP1 (BRCA1 interacting DNA helicase 1; minus strand). Cytogenetic location: 17q23.2.
Variant type: single nucleotide variant.
Coding change: c.3304G>C on transcript NM_032043.3 (MANE Select); coding-DNA position 3304, G replaced by C.
Protein change: p.Asp1102His; replaces aspartic acid 1102 with histidine.
Molecular consequence: missense variant.
Genome position (GRCh38, 1-based): chr17:61,683,742, C>G on the plus strand (G>C on the coding strand, the complement: BRIP1 is on the minus strand). VCF-style: chr17-61683742-C-G. GRCh37 (hg19) VCF-style: chr17-59761103-C-G.
Other names: short protein forms D1102H.
Identifiers: ClinVar variation 4783547 (VCV004783547.1).

ClinVar aggregate classification (germline): Uncertain significance (1 of 4 stars; one submission).

Conditions:
Fanconi anemia complementation group J. Also called: BRIP1-Related Fanconi Anemia. Identifiers: Orphanet 84, MedGen C1836860, MONDO:0012187, OMIM 609054.
Familial cancer of breast. Also called: Hereditary breast cancer; hereditary breast carcinoma; BREAST CANCER, FAMILIAL. Identifiers: Orphanet 227535, MedGen C0346153, MONDO:0016419, OMIM 114480. Disease mechanism: loss of function.

Submission:

Labcorp Genetics (formerly Invitae), Labcorp
Classification: Uncertain significance for Familial cancer of breast; Fanconi anemia complementation group J. Last evaluated: 2025-06-24. Review status: criteria provided, single submitter. Criteria: Invitae Variant Classification Sherloc (09022015). Collection method: clinical testing. Allele origin: germline.
Comment: This sequence change replaces aspartic acid, which is acidic and polar, with histidine, which is basic and polar, at codon 1102 of the BRIP1 protein (p.Asp1102His). This variant is not present in population databases (gnomAD no frequency). This variant has not been reported in the literature in individuals affected with BRIP1-related conditions. Invitae Evidence Modeling of protein sequence and biophysical properties (such as structural, functional, and spatial information, amino acid conservation, physicochemical variation, residue mobility, and thermodynamic stability) indicates that this missense variant is not expected to disrupt BRIP1 protein function with a negative predictive value of 95%. In summary, the available evidence is currently insufficient to determine the role of this variant in disease. Therefore, it has been classified as a Variant of Uncertain Significance.